The following is an entry in ClinVar:

NM_005876.5(SPEG):c.7130C>G (p.Pro2377Arg)

Genes: ASIC4-AS1 (ASIC4 antisense RNA 1; minus strand), SPEG (striated muscle enriched protein kinase; plus strand). Cytogenetic location: 2q35.
Variant type: single nucleotide variant.
Coding change: c.7130C>G on transcript NM_005876.5 (MANE Select); coding-DNA position 7130, C replaced by G.
Protein change: p.Pro2377Arg; replaces proline 2377 with arginine.
Molecular consequence: missense variant.
Genome position (GRCh38, 1-based): chr2:219,484,593, C>G. VCF-style: chr2-219484593-C-G. GRCh37 (hg19) VCF-style: chr2-220349315-C-G.
Other names: p.Pro2377Arg; short protein forms P2377R.
Identifiers: ClinVar variation 2682815 (VCV002682815.1), dbSNP rs2545943942, ClinGen allele CA350700993.

ClinVar aggregate classification (germline): Uncertain significance (1 of 4 stars; one submission).

Submission:

Mayo Clinic Laboratories, Mayo Clinic
Classification: Uncertain significance. Last evaluated: 2022-02-14. Review status: criteria provided, single submitter. Criteria: ACMG Guidelines, 2015. Collection method: clinical testing. Allele origin: germline. Observed: 1 variant allele.
Comment: PM2